The following is an entry in ClinVar:

NM_032806.6(POMGNT2):c.1286G>A (p.Arg429His)

Gene: POMGNT2 (protein O-linked mannose N-acetylglucosaminyltransferase 2 (beta 1,4-); minus strand). Cytogenetic location: 3p22.1.
Variant type: single nucleotide variant.
Coding change: c.1286G>A on transcript NM_032806.6 (MANE Select); coding-DNA position 1286, G replaced by A.
Protein change: p.Arg429His; replaces arginine 429 with histidine.
Molecular consequence: missense variant.
Genome position (GRCh38, 1-based): chr3:43,080,146, C>T on the plus strand (G>A on the coding strand, the complement: POMGNT2 is on the minus strand). VCF-style: chr3-43080146-C-T. GRCh37 (hg19) VCF-style: chr3-43121638-C-T.
Other names: short protein forms R429H.
Identifiers: ClinVar variation 572634 (VCV000572634.9), dbSNP rs562988051, ClinGen allele CA2339886.
Genomic context (GRCh38, chr3:43,080,146, plus strand): 5'-TCCTGGTAGATTCGGAAGAGCCACTCGGGGTTCCGGCAACAGAGATGCCGTGGGACCTCA[C>T]GGCTTTGCAGGATACGGGCTTGCTCAGCCCGGTCCAGATGGGTGATGCCCCCCTGATCCC-3'
Protein context (NP_116195.2, residues 419-439): RAEQARILQS[Arg429His]EVPRHLCCRN

ClinVar aggregate classification (germline): Uncertain significance. Review status: criteria provided, multiple submitters, no conflicts (2 of 4 stars). 2 submissions from 2 submitters: Uncertain significance (2). Last evaluated 2024-09-06.

Conditions:
Muscular dystrophy-dystroglycanopathy (congenital with brain and eye anomalies), type a, 8 (MDDGA8). Also called: WALKER-WARBURG SYNDROME OR MUSCLE-EYE-BRAIN DISEASE, GTDC2-RELATED. Identifiers: Orphanet 899, MedGen C3553813, MONDO:0013904, OMIM 614830.

Allele frequency attached by ClinVar (database versions not stated): TOPMed 0.00002; gnomAD 0.00003; gnomAD exomes 0.00004 and 0.00008; ExAC 0.00013; 1000 Genomes Project 30x 0.00016; 1000 Genomes Project 0.00020.
gnomAD v4.1: 57 of 1,613,946 alleles (0.0035%); highest among the groups gnomAD compares: South Asian, 0.026%; no homozygotes.

Submissions (2):

Labcorp Genetics (formerly Invitae), Labcorp
Classification: Uncertain significance for Muscular dystrophy-dystroglycanopathy (congenital with brain and eye anomalies), type a, 8. Last evaluated: 2024-09-06. Review status: criteria provided, single submitter. Criteria: Invitae Variant Classification Sherloc (09022015). Collection method: clinical testing. Allele origin: germline.
Comment: This sequence change replaces arginine, which is basic and polar, with histidine, which is basic and polar, at codon 429 of the POMGNT2 protein (p.Arg429His). This variant is present in population databases (rs562988051, gnomAD 0.04%). This variant has not been reported in the literature in individuals affected with POMGNT2-related conditions. ClinVar contains an entry for this variant (Variation ID: 572634). Invitae Evidence Modeling of protein sequence and biophysical properties (such as structural, functional, and spatial information, amino acid conservation, physicochemical variation, residue mobility, and thermodynamic stability) indicates that this missense variant is not expected to disrupt POMGNT2 protein function with a negative predictive value of 80%. In summary, the available evidence is currently insufficient to determine the role of this variant in disease. Therefore, it has been classified as a Variant of Uncertain Significance.

Revvity Omics, Revvity
Classification: Uncertain significance. Last evaluated: 2024-06-10. Review status: criteria provided, single submitter. Criteria: ACMG Guidelines, 2015. Collection method: clinical testing. Allele origin: germline.